The following is an entry in ClinVar:

NM_000528.4(MAN2B1):c.748G>A (p.Ala250Thr)

Gene: MAN2B1 (mannosidase alpha class 2B member 1; minus strand). Cytogenetic location: 19p13.13.
Variant type: single nucleotide variant.
Coding change: c.748G>A on transcript NM_000528.4 (MANE Select); coding-DNA position 748, G replaced by A.
Protein change: p.Ala250Thr; replaces alanine 250 with threonine.
Molecular consequence: missense variant.
Genome position (GRCh38, 1-based): chr19:12,663,718, C>T on the plus strand (G>A on the coding strand, the complement: MAN2B1 is on the minus strand). VCF-style: chr19-12663718-C-T. GRCh37 (hg19) VCF-style: chr19-12774532-C-T.
Other names: c.748G>A, p.Ala250Thr (NM_001173498.2); short protein forms A250T.
Identifiers: ClinVar variation 2146598 (VCV002146598.2), dbSNP rs3745650, ClinGen allele CA9226727.

ClinVar aggregate classification (germline): Uncertain significance (1 of 4 stars; one submission).

Conditions:
Deficiency of alpha-mannosidase (MANSA). Also called: LYSOSOMAL ALPHA-D-MANNOSIDASE DEFICIENCY; Alpha-Mannosidosis; Mannosidosis, alpha-, types I and II. Identifiers: Orphanet 61, MedGen C0024748, MONDO:0009561, OMIM 248500.

Allele frequency attached by ClinVar (database versions not stated): 1000 Genomes Project 30x 0.00031; 1000 Genomes Project 0.00040.
gnomAD v4.1: 69 of 1,612,080 alleles (0.0043%); highest among the groups gnomAD compares: South Asian, 0.0055%; no homozygotes.

Submission:

Labcorp Genetics (formerly Invitae), Labcorp
Classification: Uncertain significance for Deficiency of alpha-mannosidase. Last evaluated: 2024-01-24. Review status: criteria provided, single submitter. Criteria: Invitae Variant Classification Sherloc (09022015). Collection method: clinical testing. Allele origin: germline.
Comment: This sequence change replaces alanine, which is neutral and non-polar, with threonine, which is neutral and polar, at codon 250 of the MAN2B1 protein (p.Ala250Thr). This variant is present in population databases (rs3745650, gnomAD 0.007%). This variant has not been reported in the literature in individuals affected with MAN2B1-related conditions. ClinVar contains an entry for this variant (Variation ID: 2146598). Advanced modeling of protein sequence and biophysical properties (such as structural, functional, and spatial information, amino acid conservation, physicochemical variation, residue mobility, and thermodynamic stability) performed at Invitae indicates that this missense variant is not expected to disrupt MAN2B1 protein function with a negative predictive value of 95%. In summary, the available evidence is currently insufficient to determine the role of this variant in disease. Therefore, it has been classified as a Variant of Uncertain Significance.